The following is an entry in ClinVar:

NM_032043.3(BRIP1):c.1256G>T (p.Arg419Leu)

Gene: BRIP1 (BRCA1 interacting DNA helicase 1; minus strand). Cytogenetic location: 17q23.2.
Variant type: single nucleotide variant.
Coding change: c.1256G>T on transcript NM_032043.3 (MANE Select); coding-DNA position 1256, G replaced by T.
Protein change: p.Arg419Leu; replaces arginine 419 with leucine.
Molecular consequence: missense variant.
Genome position (GRCh38, 1-based): chr17:61,799,184, C>A on the plus strand (G>T on the coding strand, the complement: BRIP1 is on the minus strand). VCF-style: chr17-61799184-C-A. GRCh37 (hg19) VCF-style: chr17-59876545-C-A.
Other names: short protein forms R419L.
Identifiers: ClinVar variation 3756177 (VCV003756177.2).

ClinVar aggregate classification (germline): Uncertain significance (1 of 4 stars; one submission).

Conditions:
Fanconi anemia complementation group J. Also called: BRIP1-Related Fanconi Anemia. Identifiers: Orphanet 84, MedGen C1836860, MONDO:0012187, OMIM 609054.
Familial cancer of breast. Also called: BREAST CANCER, FAMILIAL; Hereditary breast cancer; hereditary breast carcinoma. Identifiers: Orphanet 227535, MedGen C0346153, MONDO:0016419, OMIM 114480. Disease mechanism: loss of function.

gnomAD v4.1: 1 of 1,613,584 alleles (0.000062%); no homozygotes.

Submission:

Labcorp Genetics (formerly Invitae), Labcorp
Classification: Uncertain significance for Familial cancer of breast; Fanconi anemia complementation group J. Last evaluated: 2024-05-04. Review status: criteria provided, single submitter. Criteria: Invitae Variant Classification Sherloc (09022015). Collection method: clinical testing. Allele origin: germline.
Comment: This sequence change replaces arginine, which is basic and polar, with leucine, which is neutral and non-polar, at codon 419 of the BRIP1 protein (p.Arg419Leu). This variant is not present in population databases (gnomAD no frequency). This variant has not been reported in the literature in individuals affected with BRIP1-related conditions. Advanced modeling of protein sequence and biophysical properties (such as structural, functional, and spatial information, amino acid conservation, physicochemical variation, residue mobility, and thermodynamic stability) performed at Invitae indicates that this missense variant is not expected to disrupt BRIP1 protein function with a negative predictive value of 80%. In summary, the available evidence is currently insufficient to determine the role of this variant in disease. Therefore, it has been classified as a Variant of Uncertain Significance.